The following is an entry in ClinVar:

ClinVar aggregate classification (germline): Likely benign (0 of 4 stars; one submission).

Conditions:
RAI1-related disorder. Also called: RAI1-related condition.

Submission:

PreventionGenetics, part of Exact Sciences
Classification: Likely benign for RAI1-related condition. Last evaluated: 2020-11-30. Review status: no assertion criteria provided. Collection method: clinical testing. Allele origin: germline.
Comment: This variant is classified as likely benign based on ACMG/AMP sequence variant interpretation guidelines (Richards et al. 2015 PMID: 25741868, with internal and published modifications).

NM_030665.4(RAI1):c.3693G>T (p.Pro1231=)

Gene: RAI1 (retinoic acid induced 1; plus strand). Cytogenetic location: 17p11.2.
Variant type: single nucleotide variant.
Coding change: c.3693G>T on transcript NM_030665.4 (MANE Select); coding-DNA position 3693, G replaced by T.
Protein change: p.Pro1231=; no amino-acid change (proline 1231 retained).
Molecular consequence: synonymous variant.
Genome position (GRCh38, 1-based): chr17:17,796,641, G>T. VCF-style: chr17-17796641-G-T. GRCh37 (hg19) VCF-style: chr17-17699955-G-T.
Identifiers: ClinVar variation 3358265 (VCV003358265.1).
Genomic context (GRCh38, chr17:17,796,641, plus strand): 5'-CAGCAAGCTCTCTGACCGGCCCCTCCATGCGCTCAAAAGGAAGTCGGCCTTCATGGCGCC[G>T]GTCCCCACCAAGAAGCGGAACCTGGTCTTGCGGAGCCGCAGCAGCAGCAGCAGCAACGCC-3'
Protein context (NP_109590.3, residues 1221-1241): ALKRKSAFMA[Pro1231=]VPTKKRNLVL